The following is an entry in ClinVar:

ClinVar aggregate classification (germline): Likely pathogenic. Review status: criteria provided, multiple submitters, no conflicts (2 of 4 stars). 2 submissions from 2 submitters: Likely pathogenic (2). Last evaluated 2024-08-20.

Conditions:
Hereditary cancer-predisposing syndrome. Also called: Neoplastic Syndromes, Hereditary; Tumor predisposition; Hereditary Cancer Syndrome; Hereditary neoplastic syndrome. Identifiers: Orphanet 140162, MedGen C0027672, MeSH D009386, MONDO:0015356.
Lynch syndrome 4 (LYNCH4). Also called: Hereditary non-polyposis colorectal cancer, type 4; Colorectal cancer, hereditary nonpolyposis, type 4. Identifiers: Orphanet 144, MedGen C1838333, MONDO:0013699, OMIM 614337. Disease mechanism: loss of function.

Submissions (2):

Myriad Genetics, Inc.
Classification: Likely pathogenic for Lynch syndrome 4. Last evaluated: 2024-08-20. Review status: criteria provided, single submitter. Criteria: Myriad Autosomal Dominant, Autosomal Recessive and X-Linked Classification Criteria (2023). Collection method: clinical testing. Allele origin: unknown.
Comment: This variant is considered likely pathogenic. This variant occurs within a consensus splice junction and is predicted to result in abnormal mRNA splicing of either an out-of-frame exon or an in-frame exon necessary for protein stability and/or normal function.

Ambry Genetics
Classification: Likely pathogenic for Hereditary cancer-predisposing syndrome. Last evaluated: 2020-09-22. Review status: criteria provided, single submitter. Criteria: Ambry Variant Classification Scheme 2023. Collection method: clinical testing. Allele origin: germline.
Comment: The c.706-1G>C intronic variant results from a G to C substitution one nucleotide upstream from coding exon 7 of the PMS2 gene. Based on internal structural assessment, this alteration disrupts the structure of the ATPase domain (Guarn&eacute; A et al. EMBO J. 2001 Oct;20:5521-31). This nucleotide position is highly conserved in available vertebrate species. In silico splice site analysis predicts that this alteration will weaken the native splice acceptor site. Alterations that disrupt the canonical splice site are expected to cause aberrant splicing, resulting in an abnormal protein or a transcript that is subject to nonsense-mediated mRNA decay. As such, this alteration is classified as likely pathogenic.

Literature cited by the submitters: PubMed 11574484 (cited by Ambry Genetics).

NM_000535.7(PMS2):c.706-1G>C

Gene: PMS2 (PMS1 homolog 2, mismatch repair system component; minus strand). Cytogenetic location: 7p22.1.
Variant type: single nucleotide variant.
Coding change: c.706-1G>C on transcript NM_000535.7 (MANE Select); the canonical splice acceptor site of the intron before coding-DNA position 706, G replaced by C.
Molecular consequence: splice acceptor variant. On other transcripts: intron variant (3).
Genome position (GRCh38, 1-based): chr7:5,997,424, C>G on the plus strand (G>C on the coding strand, the complement: PMS2 is on the minus strand). VCF-style: chr7-5997424-C-G. GRCh37 (hg19) VCF-style: chr7-6037055-C-G.
Other names: c.388-1G>C (NM_001322008.2, NM_001406902.1, NM_001406883.1 and 4 more transcripts); c.397-1G>C (NM_001406881.1, NM_001406879.1, NM_001322015.2 and 6 more transcripts); c.301-1G>C (NM_001406895.1, NM_001322010.2, NM_001322004.2 and 19 more transcripts); c.132+5029G>C (NM_001406911.1); c.193-1G>C (NM_001406904.1, NM_001406905.1); c.133-1G>C (NM_001322013.2, NM_001406909.1); c.-228-1G>C (NM_001322012.2, NM_001322011.2); c.370-1G>C (NM_001406885.1); and 7 more.
Identifiers: ClinVar variation 1756959 (VCV001756959.3), dbSNP rs1202370194, ClinGen allele CA366743800.